The following is an entry in ClinVar:

ClinVar aggregate classification (germline): Pathogenic (1 of 4 stars; one submission).

Submission:

GeneDx
Classification: Pathogenic. Last evaluated: 2025-06-06. Review status: criteria provided, single submitter. Criteria: GeneDx Variant Classification Process June 2021. Collection method: clinical testing. Allele origin: germline.
Comment: Frameshift variant predicted to result in protein truncation or nonsense mediated decay in a gene for which loss of function is a known mechanism of disease; Not observed at significant frequency in large population cohorts (gnomAD); Has not been previously published as pathogenic or benign to our knowledge

NM_020338.4(ZMIZ1):c.320del (p.Leu107fs)

Gene: ZMIZ1 (zinc finger MIZ-type containing 1; plus strand). Cytogenetic location: 10q22.3.
Variant type: Deletion.
Coding change: c.320del on transcript NM_020338.4 (MANE Select); coding-DNA position 320, one base deleted (T; older notation c.320delT).
Protein change: p.Leu107fs; shifts the reading frame from leucine 107.
Molecular consequence: frameshift variant.
Genome position (GRCh38, 1-based): chr10:79,277,220, T deleted. VCF-style (leftmost placement, unchanged base first): chr10-79277219-CT-C. GRCh37 (hg19) VCF-style: chr10-81036976-CT-C.
Other names: short protein forms L107fs.
Identifiers: ClinVar variation 3572496 (VCV003572496.2).
Genomic context (GRCh38, chr10:79,277,219, plus strand): 5'-GACTGTCCTGTCCTTCCTGCAGCCTTGTTGTCCTCCTGGTGCGAAGAGCTCGGCCGCCTG[CT>C]GCTGCTCCGACATCAGAAGAGCCGCCAGAGCGATCCCCCTGGGAAACTCCCCATGCAGCC-3'